The following is an entry in ClinVar:

ClinVar aggregate classification (germline): Uncertain significance. Review status: criteria provided, multiple submitters, no conflicts (2 of 4 stars). 2 submissions from 2 submitters: Uncertain significance (2). Last evaluated 2025-06-03.

Allele frequency attached by ClinVar (database versions not stated): ExAC 0.00003; gnomAD exomes 0.00005 and 0.00007; TOPMed 0.00005.
gnomAD v4.1: 120 of 1,613,418 alleles (0.0074%); highest among the groups gnomAD compares: Non-Finnish European, 0.0093%; no homozygotes.

Submissions (2):

Ambry Genetics
Classification: Uncertain significance. Last evaluated: 2025-06-03. Review status: criteria provided, single submitter. Criteria: Ambry Variant Classification Scheme 2023. Collection method: clinical testing. Allele origin: germline.

Labcorp Genetics (formerly Invitae), Labcorp
Classification: Uncertain significance. Last evaluated: 2022-02-24. Review status: criteria provided, single submitter. Criteria: Invitae Variant Classification Sherloc (09022015). Collection method: clinical testing. Allele origin: germline.
Comment: In summary, the available evidence is currently insufficient to determine the role of this variant in disease. Therefore, it has been classified as a Variant of Uncertain Significance. Algorithms developed to predict the effect of missense changes on protein structure and function are either unavailable or do not agree on the potential impact of this missense change (SIFT: "Tolerated"; PolyPhen-2: "Probably Damaging"; Align-GVGD: "Class C0"). This variant has not been reported in the literature in individuals affected with CRAT-related conditions. This variant is present in population databases (rs749869835, gnomAD 0.008%). This sequence change replaces cysteine, which is neutral and slightly polar, with phenylalanine, which is neutral and non-polar, at codon 595 of the CRAT protein (p.Cys595Phe).

NM_000755.5(CRAT):c.1784G>T (p.Cys595Phe)

Gene: CRAT (carnitine O-acetyltransferase; minus strand). Cytogenetic location: 9q34.11.
Variant type: single nucleotide variant.
Coding change: c.1784G>T on transcript NM_000755.5 (MANE Select); coding-DNA position 1784, G replaced by T.
Protein change: p.Cys595Phe; replaces cysteine 595 with phenylalanine.
Molecular consequence: missense variant.
Genome position (GRCh38, 1-based): chr9:129,095,494, C>A on the plus strand (G>T on the coding strand, the complement: CRAT is on the minus strand). VCF-style: chr9-129095494-C-A. GRCh37 (hg19) VCF-style: chr9-131857773-C-A.
Other names: c.1721G>T, p.Cys574Phe (NM_001257363.3, NM_004003.4); c.1787G>T, p.Cys596Phe (NM_001346546.2); c.1712G>T, p.Cys571Phe (NM_001346547.2); c.1649G>T, p.Cys550Phe (NM_001346548.2); c.1664G>T, p.Cys555Phe (NM_001346549.2); c.1784G>T (NM_000755.3); short protein forms C571F, C595F, C596F, C550F, C555F, C574F.
Identifiers: ClinVar variation 1384605 (VCV001384605.10), dbSNP rs749869835, ClinGen allele CA5275249.